The following is an entry in ClinVar:

ClinVar aggregate classification (germline): Likely benign (0 of 4 stars; one submission).

Conditions:
ARL13B-related disorder. Also called: ARL13B-related condition.

Submission:

PreventionGenetics, part of Exact Sciences
Classification: Likely benign for ARL13B-related condition. Last evaluated: 2020-11-19. Review status: no assertion criteria provided. Collection method: clinical testing. Allele origin: germline.
Comment: This variant is classified as likely benign based on ACMG/AMP sequence variant interpretation guidelines (Richards et al. 2015 PMID: 25741868, with internal and published modifications).

NM_001174150.2(ARL13B):c.495T>C (p.Cys165=)

Gene: ARL13B (ARF like GTPase 13B; plus strand). Cytogenetic location: 3q11.2.
Variant type: single nucleotide variant.
Coding change: c.495T>C on transcript NM_001174150.2 (MANE Select); coding-DNA position 495, T replaced by C.
Protein change: p.Cys165=; no amino-acid change (cysteine 165 retained).
Molecular consequence: synonymous variant. On other transcripts: non-coding transcript variant (2).
Genome position (GRCh38, 1-based): chr3:94,036,560, T>C. VCF-style: chr3-94036560-T-C. GRCh37 (hg19) VCF-style: chr3-93755404-T-C.
Other names: c.186T>C, p.Cys62= (NM_001174151.2); c.450T>C, p.Cys150= (NM_001321328.2); c.495T>C, p.Cys165= (NM_001410782.1, NM_182896.3); c.174T>C, p.Cys58= (NM_144996.4).
Identifiers: ClinVar variation 3030447 (VCV003030447.2), dbSNP rs1400098966, ClinGen allele CA434628703.